The following is an entry in ClinVar:

NM_058195.4(CDKN2A):c.98A>G (p.Glu33Gly)

Gene: CDKN2A (cyclin dependent kinase inhibitor 2A; minus strand). Cytogenetic location: 9p21.3.
Variant type: single nucleotide variant.
Coding change: c.98A>G on transcript NM_058195.4 (MANE Plus Clinical); coding-DNA position 98, A replaced by G.
Protein change: p.Glu33Gly; replaces glutamic acid 33 with glycine.
Molecular consequence: missense variant. On other transcripts: intron variant (1).
Genome position (GRCh38, 1-based): chr9:21,994,234, T>C on the plus strand (A>G on the coding strand, the complement: CDKN2A is on the minus strand). VCF-style: chr9-21994234-T-C. GRCh37 (hg19) VCF-style: chr9-21994233-T-C.
Other names: c.-4+587A>G (NM_001363763.2); short protein forms E33G.
Identifiers: ClinVar variation 1016652 (VCV001016652.6), dbSNP rs1820531368, ClinGen allele CA373086950.

ClinVar aggregate classification (germline): Uncertain significance. Review status: criteria provided, multiple submitters, no conflicts (2 of 4 stars). 2 submissions from 2 submitters: Uncertain significance (2). Last evaluated 2023-11-20.

Conditions:
Familial melanoma. Also called: Hereditary melanoma; Hereditary cutaneous melanoma. Identifiers: Orphanet 618, MedGen C1512419, MONDO:0018961.
Hereditary cancer-predisposing syndrome. Also called: Neoplastic Syndromes, Hereditary; Tumor predisposition; Hereditary Cancer Syndrome; Hereditary neoplastic syndrome. Identifiers: Orphanet 140162, MedGen C0027672, MeSH D009386, MONDO:0015356.

Submissions (2):

Ambry Genetics
Classification: Uncertain significance for Hereditary cancer-predisposing syndrome. Last evaluated: 2023-11-20. Review status: criteria provided, single submitter. Criteria: Ambry Variant Classification Scheme 2023. Collection method: clinical testing. Allele origin: germline.
Comment: The p.E33G variant (also known as c.98A>G), located in coding exon 1 of the CDKN2A (p14ARF) gene, results from an A to G substitution at nucleotide position 98. The glutamic acid at codon 33 is replaced by glycine, an amino acid with similar properties. This amino acid position is well conserved in available vertebrate species. In addition, this alteration is predicted to be tolerated by in silico analysis. Since supporting evidence is limited at this time, the clinical significance of this alteration remains unclear.

Labcorp Genetics (formerly Invitae), Labcorp
Classification: Uncertain significance for Familial melanoma. Last evaluated: 2021-07-14. Review status: criteria provided, single submitter. Criteria: Invitae Variant Classification Sherloc (09022015). Collection method: clinical testing. Allele origin: germline.